The following is an entry in ClinVar:

ClinVar aggregate classification (germline): Likely benign. Review status: criteria provided, multiple submitters, no conflicts (2 of 4 stars). 3 submissions from 3 submitters: Likely benign (3). Last evaluated 2025-12-17.

Conditions:
Inborn genetic diseases. Identifiers: MedGen C0950123, MeSH D030342.

Allele frequency attached by ClinVar (database versions not stated): ExAC 0.00004; gnomAD 0.00010; TOPMed 0.00016.
gnomAD v4.1: 32 of 1,613,556 alleles (0.002%); highest among the groups gnomAD compares: African/African-American, 0.033%; no homozygotes.

Submissions (3):

Labcorp Genetics (formerly Invitae), Labcorp
Classification: Likely benign. Last evaluated: 2025-12-17. Review status: criteria provided, single submitter. Criteria: Invitae Variant Classification Sherloc (09022015). Collection method: clinical testing. Allele origin: germline.

Ambry Genetics
Classification: Likely benign for Inborn genetic diseases. Last evaluated: 2023-12-02. Review status: criteria provided, single submitter. Criteria: Ambry Variant Classification Scheme 2023. Collection method: clinical testing. Allele origin: germline.

GeneDx
Classification: Likely benign. Last evaluated: 2017-08-14. Review status: criteria provided, single submitter. Criteria: GeneDx Variant Classification (06012015). Collection method: clinical testing. Allele origin: germline. Affected: yes.
Comment: This variant is considered likely benign or benign based on one or more of the following criteria: it is a conservative change, it occurs at a poorly conserved position in the protein, it is predicted to be benign by multiple in silico algorithms, and/or has population frequency not consistent with disease.

NM_001365088.1(SLC12A6):c.3061C>A (p.Arg1021=)

Gene: SLC12A6 (solute carrier family 12 member 6; minus strand). Cytogenetic location: 15q14.
Variant type: single nucleotide variant.
Coding change: c.3061C>A on transcript NM_001365088.1 (MANE Select); coding-DNA position 3061, C replaced by A.
Protein change: p.Arg1021=; no amino-acid change (arginine 1021 retained).
Molecular consequence: synonymous variant.
Genome position (GRCh38, 1-based): chr15:34,236,181, G>T on the plus strand (C>A on the coding strand, the complement: SLC12A6 is on the minus strand). VCF-style: chr15-34236181-G-T. GRCh37 (hg19) VCF-style: chr15-34528382-G-T.
Other names: c.2884C>A, p.Arg962= (NM_001042494.2, NM_001042495.2); c.3034C>A, p.Arg1012= (NM_001042496.2); c.3016C>A, p.Arg1006= (NM_001042497.2); c.2908C>A, p.Arg970= (NM_005135.2); c.3061C>A, p.Arg1021= (NM_133647.2).
Identifiers: ClinVar variation 511452 (VCV000511452.10), dbSNP rs752558011, ClinGen allele CA7463930.